The following is an entry in ClinVar:

NM_020533.3(MCOLN1):c.601C>T (p.Pro201Ser)

Gene: MCOLN1 (mucolipin TRP cation channel 1; plus strand). Cytogenetic location: 19p13.2.
Variant type: single nucleotide variant.
Coding change: c.601C>T on transcript NM_020533.3 (MANE Select); coding-DNA position 601, C replaced by T.
Protein change: p.Pro201Ser; replaces proline 201 with serine.
Molecular consequence: missense variant.
Genome position (GRCh38, 1-based): chr19:7,527,549, C>T. VCF-style: chr19-7527549-C-T. GRCh37 (hg19) VCF-style: chr19-7592435-C-T.
Other names: short protein forms P201S.
Identifiers: ClinVar variation 1460828 (VCV001460828.5), dbSNP rs2146023474, ClinGen allele CA403082043.

ClinVar aggregate classification (germline): Uncertain significance (1 of 4 stars; one submission).

Conditions:
Mucolipidosis type IV (ML4). Also called: ML IV. Identifiers: Orphanet 578, MedGen C0238286, MONDO:0009653, OMIM 252650.

Allele frequency attached by ClinVar (database versions not stated): gnomAD exomes below 0.00001.
gnomAD v4.1: 6 of 1,595,740 alleles (0.00038%); highest among the groups gnomAD compares: Non-Finnish European, 0.00052%; no homozygotes.

Submission:

Labcorp Genetics (formerly Invitae), Labcorp
Classification: Uncertain significance for Mucolipidosis type IV. Last evaluated: 2021-09-30. Review status: criteria provided, single submitter. Criteria: Invitae Variant Classification Sherloc (09022015). Collection method: clinical testing. Allele origin: germline.
Comment: This sequence change replaces proline with serine at codon 201 of the MCOLN1 protein (p.Pro201Ser). The proline residue is moderately conserved and there is a moderate physicochemical difference between proline and serine. This variant is not present in population databases (ExAC no frequency). This variant has not been reported in the literature in individuals with MCOLN1-related conditions. Algorithms developed to predict the effect of missense changes on protein structure and function (SIFT, PolyPhen-2, Align-GVGD) all suggest that this variant is likely to be tolerated, but these predictions have not been confirmed by published functional studies and their clinical significance is uncertain. In summary, the available evidence is currently insufficient to determine the role of this variant in disease. Therefore, it has been classified as a Variant of Uncertain Significance.